The following is an entry in ClinVar:

NM_000384.3(APOB):c.2702T>G (p.Met901Arg)

Gene: APOB (apolipoprotein B; minus strand). Cytogenetic location: 2p24.1.
Variant type: single nucleotide variant.
Coding change: c.2702T>G on transcript NM_000384.3 (MANE Select); coding-DNA position 2702, T replaced by G.
Protein change: p.Met901Arg; replaces methionine 901 with arginine.
Molecular consequence: missense variant.
Genome position (GRCh38, 1-based): chr2:21,022,945, A>C on the plus strand (T>G on the coding strand, the complement: APOB is on the minus strand). VCF-style: chr2-21022945-A-C. GRCh37 (hg19) VCF-style: chr2-21245817-A-C.
Other names: short protein forms M901R.
Identifiers: ClinVar variation 2565840 (VCV002565840.3), dbSNP rs759518368, ClinGen allele CA346010709.

ClinVar aggregate classification (germline): Uncertain significance. Review status: criteria provided, single submitter (1 of 4 stars). 2 submissions from 2 submitters: Uncertain significance (1). 1 of the submissions does not count toward it. Last evaluated 2023-03-31.

Conditions:
Cardiovascular phenotype. Identifiers: MedGen CN230736.

Submissions (2):

Ambry Genetics
Classification: Uncertain significance for Cardiovascular phenotype. Last evaluated: 2023-03-31. Review status: criteria provided, single submitter. Criteria: Ambry Variant Classification Scheme 2023. Collection method: clinical testing. Allele origin: germline.
Comment: The p.M901R variant (also known as c.2702T>G), located in coding exon 18 of the APOB gene, results from a T to G substitution at nucleotide position 2702. The methionine at codon 901 is replaced by arginine, an amino acid with similar properties. This amino acid position is conserved. In addition, the in silico prediction for this alteration is inconclusive. Since supporting evidence is limited at this time, the clinical significance of this alteration remains unclear.

Amrita Institute of Medical Sciences and Research Centre, Amrita Vishwa Vidyapeetham
Classification: Uncertain significance for Cardiovascular phenotype. Last evaluated: 2023-05-02. Review status: no assertion criteria provided. Collection method: clinical testing. Allele origin: germline. Affected: yes. Not counted in ClinVar's aggregate classification.
Comment: This variant located in coding exon 18 of the APOB gene, results from a T to G substitution at nucleotide position 2702. The methionine at codon 901 is replaced by arginine